The following is an entry in ClinVar:

NM_001100913.3(PACS2):c.194C>T (p.Ala65Val)

Gene: PACS2 (phosphofurin acidic cluster sorting protein 2; plus strand). Cytogenetic location: 14q32.33.
Variant type: single nucleotide variant.
Coding change: c.194C>T on transcript NM_001100913.3 (MANE Select); coding-DNA position 194, C replaced by T.
Protein change: p.Ala65Val; replaces alanine 65 with valine.
Molecular consequence: missense variant. On other transcripts: 5 prime UTR variant (1).
Genome position (GRCh38, 1-based): chr14:105,348,567, C>T. VCF-style: chr14-105348567-C-T. GRCh37 (hg19) VCF-style: chr14-105814904-C-T.
Other names: c.-8C>T (NM_001243127.3); c.194C>T, p.Ala65Val (NM_015197.4); short protein forms A65V.
Identifiers: ClinVar variation 5020979 (VCV005020979.1).

ClinVar aggregate classification (germline): Uncertain significance (1 of 4 stars; one submission).

Submission:

Dasa
Classification: Uncertain significance. Last evaluated: 2025-03-17. Review status: criteria provided, single submitter. Criteria: DASA Assertion Criteria. Collection method: clinical testing. Allele origin: germline.
Comment: NM_001100913.3(PACS2):c.194C>T (p.Ala65Val) is a missense variant that results in the substitution of alanine with valine. This variant is absent from population databases. Computational prediction algorithms are consistent with a benign effect. The currently available literature and clinical evidence are not sufficient to establish a definitive association between this variant and the reported condition. Therefore, this variant is classified as a variant of uncertain significance.